The following is an entry in ClinVar:

NM_005591.4(MRE11):c.1783G>C (p.Ala595Pro)

Gene: MRE11 (MRE11 double strand break repair nuclease; minus strand). Cytogenetic location: 11q21.
Variant type: single nucleotide variant.
Coding change: c.1783G>C on transcript NM_005591.4 (MANE Select); coding-DNA position 1783, G replaced by C.
Protein change: p.Ala595Pro; replaces alanine 595 with proline.
Molecular consequence: missense variant.
Genome position (GRCh38, 1-based): chr11:94,447,219, C>G on the plus strand (G>C on the coding strand, the complement: MRE11 is on the minus strand). VCF-style: chr11-94447219-C-G. GRCh37 (hg19) VCF-style: chr11-94180385-C-G.
Other names: c.1783G>C, p.Asp595His (NM_001330347.2); c.1783G>C, p.Ala595Pro (NM_005590.4); short protein forms A595P, D595H.
Identifiers: ClinVar variation 186961 (VCV000186961.13), dbSNP rs786203356, ClinGen allele CA196347.
Genomic context (GRCh38, chr11:94,447,219, plus strand): 5'-TCTGTATTTTCCACTCAACTGCCAAGTGTGAATGTGCACAGGACTGAACTCAGTGCTCAC[C>G]TCTTCCTCTTTGAGACCCTCCTCTCGATGCTGAATTCTGCCCTCTTCCACCTCTTCGACC-3'
Protein context (NP_005582.1, residues 585-605): ASRGGSQRGR[Ala595Pro]DTGLETSTRS

ClinVar aggregate classification (germline): Uncertain significance. Review status: criteria provided, multiple submitters, no conflicts (2 of 4 stars). 2 submissions from 2 submitters: Uncertain significance (2). Last evaluated 2021-12-09.

Conditions:
Ataxia-telangiectasia-like disorder (ATLD). Identifiers: MedGen C1858391, MONDO:0011457.
Hereditary cancer-predisposing syndrome. Also called: Neoplastic Syndromes, Hereditary; Tumor predisposition; Hereditary Cancer Syndrome; Hereditary neoplastic syndrome. Identifiers: Orphanet 140162, MedGen C0027672, MeSH D009386, MONDO:0015356.

Submissions (2):

Ambry Genetics
Classification: Uncertain significance for Hereditary cancer-predisposing syndrome. Last evaluated: 2021-12-09. Review status: criteria provided, single submitter. Criteria: Ambry Variant Classification Scheme 2023. Collection method: clinical testing. Allele origin: germline.
Comment: The c.1783G>C variant (also known as p.A595P), located in coding exon 14 of the MRE11A gene, results from a G to C substitution at nucleotide position 1783. The alanine at codon 595 is replaced by proline, an amino acid with highly similar properties. However, this change occurs in the last base pair of coding exon 14, which makes it likely to have some effect on normal mRNA splicing. This nucleotide position is highly conserved in available vertebrate species. In silico splice site analysis predicts that this alteration will result in the creation or strengthening of a novel splice donor site. RNA studies have demonstrated that this alteration results in an incomplete splice defect; the clinical impact of this abnormal splicing is unknown at this time (Ambry internal data). Since supporting evidence is limited at this time, the clinical significance of this alteration remains unclear.

Labcorp Genetics (formerly Invitae), Labcorp
Classification: Uncertain significance for Ataxia-telangiectasia-like disorder. Last evaluated: 2021-03-17. Review status: criteria provided, single submitter. Criteria: Invitae Variant Classification Sherloc (09022015). Collection method: clinical testing. Allele origin: germline.
Comment: In summary, the available evidence is currently insufficient to determine the role of this variant in disease. Therefore, it has been classified as a Variant of Uncertain Significance. Nucleotide substitutions within the consensus splice site are a relatively common cause of aberrant splicing (PMID: 17576681, 9536098). Algorithms developed to predict the effect of sequence changes on RNA splicing suggest that this variant may disrupt the consensus splice site, but this prediction has not been confirmed by published transcriptional studies. Algorithms developed to predict the effect of missense changes on protein structure and function (SIFT, PolyPhen-2, Align-GVGD) all suggest that this variant is likely to be tolerated, but these predictions have not been confirmed by published functional studies and their clinical significance is uncertain. This variant has not been reported in the literature in individuals with MRE11-related conditions. ClinVar contains an entry for this variant (Variation ID: 186961). This variant is not present in population databases (ExAC no frequency). This sequence change replaces alanine with proline at codon 595 of the MRE11 protein (p.Ala595Pro). The alanine residue is weakly conserved and there is a small physicochemical difference between alanine and proline. This variant also falls at the last nucleotide of exon 15, which is part of the consensus splice site for this exon.

Literature cited by the submitters: PubMed 17576681 (cited by Labcorp Genetics (formerly Invitae), Labcorp); PubMed 9536098 (cited by Labcorp Genetics (formerly Invitae), Labcorp).